The following is an entry in ClinVar:

NM_133497.4(KCNV2):c.214G>T (p.Ala72Ser)

Gene: KCNV2 (potassium voltage-gated channel modifier subfamily V member 2; plus strand). Cytogenetic location: 9p24.2.
Variant type: single nucleotide variant.
Coding change: c.214G>T on transcript NM_133497.4 (MANE Select); coding-DNA position 214, G replaced by T.
Protein change: p.Ala72Ser; replaces alanine 72 with serine.
Molecular consequence: missense variant.
Genome position (GRCh38, 1-based): chr9:2,717,953, G>T. VCF-style: chr9-2717953-G-T. GRCh37 (hg19) VCF-style: chr9-2717953-G-T.
Other names: short protein forms A72S.
Identifiers: ClinVar variation 1023918 (VCV001023918.8), dbSNP rs1228440224, ClinGen allele CA372795986.

ClinVar aggregate classification (germline): Uncertain significance (1 of 4 stars; one submission).

gnomAD v4.1: 3 of 1,614,048 alleles (0.00019%); highest among the groups gnomAD compares: Non-Finnish European, 0.00025%; no homozygotes.

Submission:

Labcorp Genetics (formerly Invitae), Labcorp
Classification: Uncertain significance. Last evaluated: 2020-03-26. Review status: criteria provided, single submitter. Criteria: Invitae Variant Classification Sherloc (09022015). Collection method: clinical testing. Allele origin: germline.
Comment: In summary, the available evidence is currently insufficient to determine the role of this variant in disease. Therefore, it has been classified as a Variant of Uncertain Significance. Algorithms developed to predict the effect of missense changes on protein structure and function (SIFT, PolyPhen-2, Align-GVGD) all suggest that this variant is likely to be tolerated, but these predictions have not been confirmed by published functional studies and their clinical significance is uncertain. This variant has not been reported in the literature in individuals with KCNV2-related conditions. This variant is not present in population databases (ExAC no frequency). This sequence change replaces alanine with serine at codon 72 of the KCNV2 protein (p.Ala72Ser). The alanine residue is moderately conserved and there is a moderate physicochemical difference between alanine and serine.